The following is an entry in ClinVar:

ClinVar aggregate classification (germline): Uncertain significance. Review status: criteria provided, multiple submitters, no conflicts (2 of 4 stars). 5 submissions from 5 submitters: Uncertain significance (5). Last evaluated 2026-05-11.

Conditions:
Familial thoracic aortic aneurysm and aortic dissection (TAAD). Also called: Thoracic aortic aneurysms and dissections. Identifiers: Orphanet 91387, MedGen C4707243, MONDO:0019625.
Aortic aneurysm, familial thoracic 4 (AAT4). Also called: AORTIC ANEURYSM/AORTIC DISSECTION AND PATENT DUCTUS ARTERIOSUS. Identifiers: MedGen C1851504, MONDO:0007568, OMIM 132900.

Allele frequency attached by ClinVar (database versions not stated): TOPMed 0.00001; gnomAD 0.00001.
gnomAD v4.1: 37 of 1,613,736 alleles (0.0023%); highest among the groups gnomAD compares: Non-Finnish European, 0.0026%; no homozygotes.

Submissions (5):

Ambry Genetics
Classification: Uncertain significance for Familial thoracic aortic aneurysm and aortic dissection. Last evaluated: 2026-05-11. Review status: criteria provided, single submitter. Criteria: Ambry Variant Classification Scheme 2023. Collection method: clinical testing. Allele origin: germline.
Comment: The p.R1792W variant (also known as c.5374C>T), located in coding exon 37 of the MYH11 gene, results from a C to T substitution at nucleotide position 5374. The arginine at codon 1792 is replaced by tryptophan, an amino acid with dissimilar properties. This amino acid position is highly conserved in available vertebrate species. In addition, the in silico prediction for this alteration is inconclusive. Based on the available evidence, the clinical significance of this variant remains unclear.

Color Diagnostics, LLC DBA Color Health
Classification: Uncertain significance for Familial thoracic aortic aneurysm and aortic dissection. Last evaluated: 2025-07-07. Review status: criteria provided, single submitter. Criteria: ACMG Guidelines, 2015. Collection method: clinical testing. Allele origin: germline.
Comment: This missense variant replaces arginine with tryptophan at codon 1799 of the MYH11 protein. Computational prediction suggests that this variant may have a deleterious impact on protein structure and function. To our knowledge, functional studies have not been reported for this variant. This variant has not been reported in individuals affected with MYH11-related disorders in the literature. This variant has been identified in 3/251002 chromosomes in the general population by the Genome Aggregation Database (gnomAD). The available evidence is insufficient to determine the role of this variant in disease conclusively. Therefore, this variant is classified as a Variant of Uncertain Significance.

All of Us Research Program, National Institutes of Health
Classification: Uncertain significance for Familial thoracic aortic aneurysm and aortic dissection. Last evaluated: 2024-05-14. Review status: criteria provided, single submitter. Criteria: ACMG Guidelines, 2015. Collection method: clinical testing. Allele origin: germline. Inheritance: Autosomal dominant inheritance. Observed: 10 variant alleles, 10 heterozygotes.
Comment: This missense variant replaces arginine with tryptophan at codon 1799 of the MYH11 protein. Computational prediction suggests that this variant may have deleterious impact on protein structure and function (internally defined REVEL score threshold >= 0.7, PMID: 27666373). To our knowledge, functional studies have not been reported for this variant. This variant has not been reported in individuals affected with cardiovascular disorders in the literature. This variant has been identified in 3/251002 chromosomes in the general population by the Genome Aggregation Database (gnomAD). The available evidence is insufficient to determine the role of this variant in disease conclusively. Therefore, this variant is classified as a Variant of Uncertain Significance.

This study involves interpretation of variants in research participants for the purpose of population health screening. Participant phenotype was not available at the time of variant classification. Additional details can be found in publication PMID: 35346344, PMCID: PMC8962531

Labcorp Genetics (formerly Invitae), Labcorp
Classification: Uncertain significance for Aortic aneurysm, familial thoracic 4. Last evaluated: 2022-08-05. Review status: criteria provided, single submitter. Criteria: Invitae Variant Classification Sherloc (09022015). Collection method: clinical testing. Allele origin: germline.
Comment: This sequence change replaces arginine, which is basic and polar, with tryptophan, which is neutral and slightly polar, at codon 1799 of the MYH11 protein (p.Arg1799Trp). The frequency data for this variant in the population databases is considered unreliable, as metrics indicate poor data quality at this position in the gnomAD database. This variant has not been reported in the literature in individuals affected with MYH11-related conditions. ClinVar contains an entry for this variant (Variation ID: 926855). Algorithms developed to predict the effect of missense changes on protein structure and function (SIFT, PolyPhen-2, Align-GVGD) all suggest that this variant is likely to be disruptive. In summary, the available evidence is currently insufficient to determine the role of this variant in disease. Therefore, it has been classified as a Variant of Uncertain Significance.

Victorian Clinical Genetics Services, Murdoch Childrens Research Institute
Classification: Uncertain significance for Aortic aneurysm, familial thoracic 4. Last evaluated: 2022-02-02. Review status: criteria provided, single submitter. Criteria: ACMG Guidelines, 2015. Collection method: clinical testing. Allele origin: germline. Inheritance: Autosomal dominant inheritance. Affected: yes.
Comment: Based on the classification scheme VCGS_Germline_v1.3.4, this variant is classified as VUS-3B. Following criteria are met: 0102 - Loss of function is a known mechanism of disease in this gene and is associated with megacystis-microcolon-intestinal hypoperistalsis syndrome 2 (MMIHS; MIM#619351). The disease mechanism for chronic intestinal pseudo-obstruction (CIPO), also known as visceral myopathy 2 (MIM#619350), and aortic aneurysm, familial thoracic 4 (AAFT; MIM#132900) is unclear, however loss of function and dominant negative have been suggested, respectively (PMID: 31944481). (I) 0108 - This gene is associated with both recessive and dominant disease. MMIHS is an autosomal recessive form of disease caused by both missense variants and those resulting in a premature termination codon. AAFT is autosomal dominant and has been reported in patients with splice, missense and inframe deletion variants. CIPO is autosomal dominant and has only been reported in patients with protein elongation variants exclusive to isoform SM2 (PMIDs: 31389005, 31944481). (I) 0200 - Variant is predicted to result in a missense amino acid change from arginine to tryptophan. (I) 0251 - This variant is heterozygous. (I) 0302 - Variant is present in gnomAD (v2) <0.001 for a dominant condition (3 heterozygotes, 0 homozygotes). (SP) 0309 - An alternative amino acid change at the same position has been observed in gnomAD (v2) (8 heterozygotes, 0 homozygotes). (I) 0501 - Missense variant consistently predicted to be damaging by multiple in silico tools or highly conserved with a major amino acid change. (SP) 0600 - Variant is located in the annotated myosin tail domain (NCBI). (I) 0710 - Another missense variant comparable to the one identified in this case has inconclusive previous evidence for pathogenicity. This alternative change (p.(Arg1792Gln)) has been reported several times as a VUS (ClinVar). (I) 0809 - Previous evidence of pathogenicity for this variant is inconclusive. This variant has been reported once as a VUS (ClinVar). (I) 0905 - No published segregation evidence has been identified for this variant. (I) 1007 - No published functional evidence has been identified for this variant. (I) 1208 - Inheritance information for this variant is not currently available in this individual. (I) Legend: (SP) - Supporting pathogenic, (I) - Information, (SB) - Supporting benign

Literature cited by the submitters: PubMed 31389005 (cited by Victorian Clinical Genetics Services, Murdoch Childrens Research Institute); PubMed 31944481 (cited by Victorian Clinical Genetics Services, Murdoch Childrens Research Institute).

NM_002474.3(MYH11):c.5374C>T (p.Arg1792Trp)

Genes: MYH11 (myosin heavy chain 11; minus strand), NDE1 (nudE neurodevelopment protein 1; plus strand). Cytogenetic location: 16p13.11.
Variant type: single nucleotide variant.
Coding change: c.5374C>T on transcript NM_002474.3 (MANE Select); coding-DNA position 5374, C replaced by T.
Protein change: p.Arg1792Trp; replaces arginine 1792 with tryptophan.
Molecular consequence: missense variant. On other transcripts: intron variant (2).
Genome position (GRCh38, 1-based): chr16:15,717,270, G>A on the plus strand (C>T on the coding strand, the complement: MYH11 is on the minus strand). VCF-style: chr16-15717270-G-A. GRCh37 (hg19) VCF-style: chr16-15811127-G-A.
Other names: c.5395C>T, p.Arg1799Trp (NM_001040113.2, NM_001040114.2); c.5374C>T, p.Arg1792Trp (NM_022844.3); c.948-6921G>A (NM_001143979.2, NM_017668.3); short protein forms R1792W, R1799W.
Identifiers: ClinVar variation 926855 (VCV000926855.12), dbSNP rs1364355866, ClinGen allele CA394849029.